The following is an entry in ClinVar:

ClinVar aggregate classification (germline): Conflicting classifications of pathogenicity. Review status: criteria provided, conflicting classifications (1 of 4 stars). 3 submissions from 3 submitters: Uncertain significance (2); Likely benign (1). Last evaluated 2025-07-13.

Conditions:
Dilated cardiomyopathy 1G (CMD1G). Identifiers: Orphanet 154, MedGen C1858763, MONDO:0011400, OMIM 604145.
Autosomal recessive limb-girdle muscular dystrophy type 2J (LGMDR10). Also called: Limb-girdle muscular dystrophy, type 2J; MUSCULAR DYSTROPHY, LIMB-GIRDLE, AUTOSOMAL RECESSIVE 10. Identifiers: Orphanet 140922, MedGen C1837342, MONDO:0012127, OMIM 608807.

Allele frequency attached by ClinVar (database versions not stated): gnomAD below 0.00001 and 0.00001; TOPMed 0.00001; ExAC 0.00007.
gnomAD v4.1: 61 of 1,613,688 alleles (0.0038%); highest among the groups gnomAD compares: South Asian, 0.063%; no homozygotes.

Submissions (3):

Labcorp Genetics (formerly Invitae), Labcorp
Classification: Likely benign for Dilated cardiomyopathy 1G; Autosomal recessive limb-girdle muscular dystrophy type 2J. Last evaluated: 2025-07-13. Review status: criteria provided, single submitter. Criteria: Invitae Variant Classification Sherloc (09022015). Collection method: clinical testing. Allele origin: germline.

Eurofins Ntd Llc (ga)
Classification: Uncertain significance. Last evaluated: 2017-06-16. Review status: criteria provided, single submitter. Criteria: EGL Classification Definitions 2015. Collection method: clinical testing. Allele origin: germline. Observed: 1 variant allele, 1 heterozygote.

GeneDx
Classification: Uncertain significance. Last evaluated: 2017-05-24. Review status: criteria provided, single submitter. Criteria: GeneDx Variant Classification (06012015). Collection method: clinical testing. Allele origin: germline. Affected: yes.
Comment: A variant of uncertain significance has been identified in the TTN gene. The c.16128 C>T variant has not been published as pathogenic or been reported as benign to our knowledge. This variant is observed in 9/16508 (0.05%) alleles from individuals of South Asian ancestry in the Exome Aggregation Consortium (ExAC) dataset (Lek et al., 2016; 1000 Genomes Consortium et al., 2015; Exome Variant Server). The c.16128 C>T variant results in a synonymous change of the residue S5376 in the TTN gene. This nucleotide substitution occurs at a position that is only conserved in mammals. Several in silico splice prediction algorithms predict that this variant creates a weak cryptic splice site in exon 56 upstream of the natural splice donor site for intron 56. However, in the absence of functional mRNA studies, the physiological consequence of this variant cannot be precisely determined. Finally, other truncating TTN variants have been reported in approximately 3% of control alleles and c.16128 C>T is not located in the A-band region of titin, where the majority of truncating pathogenic variants associated with DCM have been reported (Herman et al., 2012).

NM_001267550.2(TTN):c.17079C>T (p.Ser5693=)

Genes: TTN (titin; minus strand), LOC126806431 (CDK7 strongly-dependent group 2 enhancer GRCh37_chr2:179595719-179596918; plus strand). Cytogenetic location: 2q31.2.
Variant type: single nucleotide variant.
Coding change: c.17079C>T on transcript NM_001267550.2 (MANE Select); coding-DNA position 17079, C replaced by T.
Protein change: p.Ser5693=; no amino-acid change (serine 5693 retained).
Molecular consequence: synonymous variant. On other transcripts: intron variant (3).
Genome position (GRCh38, 1-based): chr2:178,731,796, G>A on the plus strand (C>T on the coding strand, the complement: TTN is on the minus strand). VCF-style: chr2-178731796-G-A. GRCh37 (hg19) VCF-style: chr2-179596523-G-A.
Other names: c.16128C>T, p.Ser5376= (NM_001256850.1); c.13347C>T, p.Ser4449= (NM_133378.4); c.13282+6286C>T (NM_003319.4); c.13858+6286C>T (NM_133437.4); c.13657+6286C>T (NM_133432.3).
Identifiers: ClinVar variation 432444 (VCV000432444.14), dbSNP rs372588069, ClinGen allele CA2001919.